The following is an entry in ClinVar:

ClinVar aggregate classification (germline): Uncertain significance (1 of 4 stars; one submission).

Submission:

GeneDx
Classification: Uncertain significance. Last evaluated: 2017-10-16. Review status: criteria provided, single submitter. Criteria: GeneDx Variant Classification (06012015). Collection method: clinical testing. Allele origin: germline. Affected: yes.
Comment: The c.1608+1G>T variant in the SAMHD1 gene has not been reported previously as a pathogenic variant, nor as a benign variant, to our knowledge. This splice site variant is predicted to cause abnormal gene splicing resulting in an in-frame protein product with an abnormal message. However, in the absence of RNA/functional studies, the actual effect of c.1608+1G>T in this individual is unknown. The c.1608+1G>T variant is not observed in large population cohorts (Lek et al., 2016). We interpret c.1608+1G>T as a variant of uncertain significance.

NM_015474.4(SAMHD1):c.1608+1G>T

Gene: SAMHD1 (SAM and HD domain containing deoxynucleoside triphosphate triphosphohydrolase 1; minus strand). Cytogenetic location: 20q11.23.
Variant type: single nucleotide variant.
Coding change: c.1608+1G>T on transcript NM_015474.4 (MANE Select); the canonical splice donor site of the intron after coding-DNA position 1608, G replaced by T.
Molecular consequence: splice donor variant. On other transcripts: intron variant (1).
Genome position (GRCh38, 1-based): chr20:36,898,439, C>A on the plus strand (G>T on the coding strand, the complement: SAMHD1 is on the minus strand). VCF-style: chr20-36898439-C-A. GRCh37 (hg19) VCF-style: chr20-35526842-C-A.
Other names: c.1504-480G>T (NM_001363729.2); c.1608+1G>T (NM_001363733.2).
Identifiers: ClinVar variation 452781 (VCV000452781.2), dbSNP rs373731440, ClinGen allele CA408840019.